The following is an entry in ClinVar:

NM_021913.5(AXL):c.335C>T (p.Thr112Met)

Gene: AXL (AXL receptor tyrosine kinase; plus strand). Cytogenetic location: 19q13.2.
Variant type: single nucleotide variant.
Coding change: c.335C>T on transcript NM_021913.5 (MANE Select); coding-DNA position 335, C replaced by T.
Protein change: p.Thr112Met; replaces threonine 112 with methionine.
Molecular consequence: missense variant.
Genome position (GRCh38, 1-based): chr19:41,221,172, C>T. VCF-style: chr19-41221172-C-T. GRCh37 (hg19) VCF-style: chr19-41727077-C-T.
Other names: c.335C>T, p.Thr112Met (NM_001699.6); short protein forms T112M.
Identifiers: ClinVar variation 1415287 (VCV001415287.6), dbSNP rs35202236, ClinGen allele CA9457914.

ClinVar aggregate classification (germline): Uncertain significance (1 of 4 stars; one submission).

Allele frequency attached by ClinVar (database versions not stated): ESP Exome Variant Server 0.00015; gnomAD 0.00016; TOPMed 0.00020; gnomAD exomes 0.00036; ExAC 0.00056.
gnomAD v4.1: 449 of 1,614,056 alleles (0.028%); highest among the groups gnomAD compares: East Asian, 0.051%; no homozygotes.

Submission:

Labcorp Genetics (formerly Invitae), Labcorp
Classification: Uncertain significance. Last evaluated: 2025-12-23. Review status: criteria provided, single submitter. Criteria: Invitae Variant Classification Sherloc (09022015). Collection method: clinical testing. Allele origin: germline.
Comment: This sequence change replaces threonine, which is neutral and polar, with methionine, which is neutral and non-polar, at codon 112 of the AXL protein (p.Thr112Met). This variant is present in population databases (rs35202236, gnomAD 0.1%), and has an allele count higher than expected for a pathogenic variant. This variant has not been reported in the literature in individuals affected with AXL-related conditions. ClinVar contains an entry for this variant (Variation ID: 1415287). Invitae Evidence Modeling of protein sequence and biophysical properties (such as structural, functional, and spatial information, amino acid conservation, physicochemical variation, residue mobility, and thermodynamic stability) indicates that this missense variant is not expected to disrupt AXL protein function with a negative predictive value of 80%. In summary, the available evidence is currently insufficient to determine the role of this variant in disease. Therefore, it has been classified as a Variant of Uncertain Significance.